The following is an entry in ClinVar:

NM_139162.4(MIEF2):c.310+188G>A

Gene: MIEF2 (mitochondrial elongation factor 2; plus strand). Cytogenetic location: 17p11.2.
Variant type: single nucleotide variant.
Coding change: c.310+188G>A on transcript NM_139162.4 (MANE Select); 188 bases into the intron after coding-DNA position 310, G replaced by A.
Molecular consequence: intron variant.
Genome position (GRCh38, 1-based): chr17:18,263,436, G>A. VCF-style: chr17-18263436-G-A. GRCh37 (hg19) VCF-style: chr17-18166750-G-A.
Other names: c.310+188G>A (NM_001144900.3); c.343+188G>A (NM_148886.2).
Identifiers: ClinVar variation 2647550 (VCV002647550.24), dbSNP rs113412411, ClinGen allele CA8429165.

ClinVar aggregate classification (germline): Likely benign (1 of 4 stars; one submission).

Allele frequency attached by ClinVar (database versions not stated): gnomAD exomes 0.00040; ExAC 0.00073; 1000 Genomes Project 0.00220; 1000 Genomes Project 30x 0.00250; gnomAD 0.00280; TOPMed 0.00311.
gnomAD v4.1: 760 of 942,698 alleles (0.081%); highest among the groups gnomAD compares: African/African-American, 0.95%; 6 homozygotes.

Submission:

CeGaT Center for Human Genetics Tuebingen
Classification: Likely benign. Last evaluated: 2023-04-01. Review status: criteria provided, single submitter. Criteria: CeGaT Center For Human Genetics Tuebingen Variant Classification Criteria Version 2. Collection method: clinical testing. Allele origin: germline. Affected: yes. Observed: 1 variant allele.
Comment: MIEF2: BS2